The following is an entry in ClinVar:

NM_022168.4(IFIH1):c.14A>C (p.Tyr5Ser)

Gene: IFIH1 (interferon induced with helicase C domain 1; minus strand). Cytogenetic location: 2q24.2.
Variant type: single nucleotide variant.
Coding change: c.14A>C on transcript NM_022168.4 (MANE Select); coding-DNA position 14, A replaced by C.
Protein change: p.Tyr5Ser; replaces tyrosine 5 with serine.
Molecular consequence: missense variant.
Genome position (GRCh38, 1-based): chr2:162,318,294, T>G on the plus strand (A>C on the coding strand, the complement: IFIH1 is on the minus strand). VCF-style: chr2-162318294-T-G. GRCh37 (hg19) VCF-style: chr2-163174804-T-G.
Other names: short protein forms Y5S.
Identifiers: ClinVar variation 1057082 (VCV001057082.9), dbSNP rs1485039163, ClinGen allele CA349015087.

ClinVar aggregate classification (germline): Uncertain significance (1 of 4 stars; one submission).

Conditions:
Singleton-Merten syndrome 1 (SGMRT1). Also called: Widened medullary cavities of bone, aortic calcification, abnormal dentition, and muscular weakness; Syndrome of widened medullary cavities of the metacarpals and phalanges, aortic calcification and abnormal dentition. Identifiers: Orphanet 85191, MedGen C4225427, MONDO:0024535, OMIM 182250.
Aicardi-Goutieres syndrome 7 (AGS7). Identifiers: Orphanet 51, MedGen C3888244, MONDO:0014367, OMIM 615846.

Submission:

Labcorp Genetics (formerly Invitae), Labcorp
Classification: Uncertain significance for Aicardi-Goutieres syndrome 7; Singleton-Merten syndrome 1. Last evaluated: 2020-06-12. Review status: criteria provided, single submitter. Criteria: Invitae Variant Classification Sherloc (09022015). Collection method: clinical testing. Allele origin: germline.
Comment: In summary, the available evidence is currently insufficient to determine the role of this variant in disease. Therefore, it has been classified as a Variant of Uncertain Significance. Algorithms developed to predict the effect of missense changes on protein structure and function output the following: SIFT: "Tolerated"; PolyPhen-2: "Benign"; Align-GVGD: "Class C0". The serine amino acid residue is found in multiple mammalian species, suggesting that this missense change does not adversely affect protein function. These predictions have not been confirmed by published functional studies and their clinical significance is uncertain. This variant has not been reported in the literature in individuals with IFIH1-related conditions. This variant is not present in population databases (ExAC no frequency). This sequence change replaces tyrosine with serine at codon 5 of the IFIH1 protein (p.Tyr5Ser). The tyrosine residue is weakly conserved and there is a large physicochemical difference between tyrosine and serine.